The following is an entry in ClinVar:

ClinVar aggregate classification (germline): Likely benign (1 of 4 stars; one submission).

Conditions:
CDH23-related disorder. Also called: CDH23-related condition; CDH23-related disorders.

Submission:

PreventionGenetics, part of Exact Sciences
Classification: Likely benign for CDH23-related condition. Last evaluated: 2024-10-09. Review status: criteria provided, single submitter. Criteria: ACMG Guidelines, 2015. Collection method: clinical testing. Allele origin: germline.
Comment: This variant is classified as likely benign based on ACMG/AMP sequence variant interpretation guidelines (Richards et al. 2015 PMID: 25741868, with internal and published modifications).

NM_022124.6(CDH23):c.3798C>A (p.Ile1266=)

Genes: C10orf105 (chromosome 10 open reading frame 105; minus strand), CDH23 (cadherin related 23; plus strand). Cytogenetic location: 10q22.1.
Variant type: single nucleotide variant.
Coding change: c.3798C>A on transcript NM_022124.6 (MANE Select); coding-DNA position 3798, C replaced by A.
Protein change: p.Ile1266=; no amino-acid change (isoleucine 1266 retained).
Molecular consequence: synonymous variant. On other transcripts: intron variant (1).
Genome position (GRCh38, 1-based): chr10:71,732,069, C>A. VCF-style: chr10-71732069-C-A. GRCh37 (hg19) VCF-style: chr10-73491826-C-A.
Other names: c.3798C>A, p.Ile1266= (NM_001171930.2); c.-6+5659G>T (NM_001168390.2).
Identifiers: ClinVar variation 4983106 (VCV004983106.1).